The following is an entry in ClinVar:

ClinVar aggregate classification (germline): Uncertain significance (1 of 4 stars; one submission).

Allele frequency attached by ClinVar (database versions not stated): gnomAD exomes below 0.00001; TOPMed 0.00001; gnomAD 0.00002.
gnomAD v4.1: 5 of 1,603,906 alleles (0.00031%); highest among the groups gnomAD compares: African/African-American, 0.0013%; no homozygotes.

Submission:

GeneDx
Classification: Uncertain significance. Last evaluated: 2024-08-04. Review status: criteria provided, single submitter. Criteria: GeneDx Variant Classification Process June 2021. Collection method: clinical testing. Allele origin: germline.
Comment: Not observed at significant frequency in large population cohorts (gnomAD); In silico analysis indicates that this missense variant does not alter protein structure/function; Has not been previously published as pathogenic or benign to our knowledge

NM_000203.5(IDUA):c.707G>A (p.Gly236Asp)

Gene: IDUA (alpha-L-iduronidase; plus strand). Cytogenetic location: 4p16.3.
Variant type: single nucleotide variant.
Coding change: c.707G>A on transcript NM_000203.5 (MANE Select); coding-DNA position 707, G replaced by A.
Protein change: p.Gly236Asp; replaces glycine 236 with aspartic acid.
Molecular consequence: missense variant. On other transcripts: non-coding transcript variant (1).
Genome position (GRCh38, 1-based): chr4:1,001,796, G>A. VCF-style: chr4-1001796-G-A. GRCh37 (hg19) VCF-style: chr4-995584-G-A.
Other names: c.311G>A, p.Gly104Asp (NM_001363576.1); short protein forms G104D, G236D.
Identifiers: ClinVar variation 2501887 (VCV002501887.2), dbSNP rs1250362489, ClinGen allele CA355962108.